The following is an entry in ClinVar:

ClinVar aggregate classification (germline): Uncertain significance (1 of 4 stars; one submission).

gnomAD v4.1: 2 of 1,613,852 alleles (0.00012%); highest among the groups gnomAD compares: Non-Finnish European, 0.00017%; no homozygotes.

Submission:

GeneDx
Classification: Uncertain significance. Last evaluated: 2024-04-18. Review status: criteria provided, single submitter. Criteria: GeneDx Variant Classification Process June 2021. Collection method: clinical testing. Allele origin: germline. Affected: yes.
Comment: Not observed at significant frequency in large population cohorts (gnomAD); In silico analysis indicates that this missense variant does not alter protein structure/function; Has not been previously published as pathogenic or benign to our knowledge

NM_004859.4(CLTC):c.4955A>G (p.Gln1652Arg)

Gene: CLTC (clathrin heavy chain; plus strand). Cytogenetic location: 17q23.1.
Variant type: single nucleotide variant.
Coding change: c.4955A>G on transcript NM_004859.4 (MANE Select); coding-DNA position 4955, A replaced by G.
Protein change: p.Gln1652Arg; replaces glutamine 1652 with arginine.
Molecular consequence: missense variant.
Genome position (GRCh38, 1-based): chr17:59,693,779, A>G. VCF-style: chr17-59693779-A-G. GRCh37 (hg19) VCF-style: chr17-57771140-A-G.
Other names: c.4967A>G, p.Gln1656Arg (NM_001288653.2); short protein forms Q1652R, Q1656R.
Identifiers: ClinVar variation 3372793 (VCV003372793.1).